The following is an entry in ClinVar:

NM_013432.5(TONSL):c.3835A>G (p.Ile1279Val)

Gene: TONSL (tonsoku like, DNA repair protein; minus strand). Cytogenetic location: 8q24.3.
Variant type: single nucleotide variant.
Coding change: c.3835A>G on transcript NM_013432.5 (MANE Select); coding-DNA position 3835, A replaced by G.
Protein change: p.Ile1279Val; replaces isoleucine 1279 with valine.
Molecular consequence: missense variant.
Genome position (GRCh38, 1-based): chr8:144,430,512, T>C on the plus strand (A>G on the coding strand, the complement: TONSL is on the minus strand). VCF-style: chr8-144430512-T-C. GRCh37 (hg19) VCF-style: chr8-145655895-T-C.
Other names: c.3835A>G (NM_013432.4); short protein forms I1279V.
Identifiers: ClinVar variation 1429752 (VCV001429752.4), dbSNP rs566537432, ClinGen allele CA187664164.
Genomic context (GRCh38, chr8:144,430,512, plus strand): 5'-ACAGGAGCTCTTCCAAGCTGGCACAGCTGATCTCAGGGTTGGCAGACAGATCCAGTGAGA[T>C]GAGTGAGGGGCACAGAGAGAGACATCTGAGATAACATGGGAAGAAGTGCAAAGGTTGGCT-3'
Protein context (NP_038460.4, residues 1269-1289): CRCLSLCPSL[Ile1279Val]SLDLSANPEI

ClinVar aggregate classification (germline): Conflicting classifications of pathogenicity. Review status: criteria provided, conflicting classifications (1 of 4 stars). 2 submissions from 2 submitters: Uncertain significance (1); Likely benign (1). Last evaluated 2025-04-03.

Conditions:
Inborn genetic diseases. Identifiers: MedGen C0950123, MeSH D030342.

Allele frequency attached by ClinVar (database versions not stated): gnomAD exomes 0.00001; gnomAD 0.00002 and 0.00003; TOPMed 0.00004.

Submissions (2):

Ambry Genetics
Classification: Likely benign for Inborn genetic diseases. Last evaluated: 2025-04-03. Review status: criteria provided, single submitter. Criteria: Ambry Variant Classification Scheme 2023. Collection method: clinical testing. Allele origin: germline.

Labcorp Genetics (formerly Invitae), Labcorp
Classification: Uncertain significance. Last evaluated: 2022-08-01. Review status: criteria provided, single submitter. Criteria: Invitae Variant Classification Sherloc (09022015). Collection method: clinical testing. Allele origin: germline.
Comment: This sequence change replaces isoleucine, which is neutral and non-polar, with valine, which is neutral and non-polar, at codon 1279 of the TONSL protein (p.Ile1279Val). This variant is present in population databases (rs566537432, gnomAD 0.006%). This variant has not been reported in the literature in individuals affected with TONSL-related conditions. ClinVar contains an entry for this variant (Variation ID: 1429752). Algorithms developed to predict the effect of missense changes on protein structure and function output the following: SIFT: "Tolerated"; PolyPhen-2: "Benign"; Align-GVGD: "Class C0". The valine amino acid residue is found in multiple mammalian species, which suggests that this missense change does not adversely affect protein function. In summary, the available evidence is currently insufficient to determine the role of this variant in disease. Therefore, it has been classified as a Variant of Uncertain Significance.